The following is an entry in ClinVar:

ClinVar aggregate classification (germline): Pathogenic (1 of 4 stars; one submission).

Conditions:
Breast-ovarian cancer, familial, susceptibility to, 1 (BROVCA1). Also called: BRCA1 Hereditary Breast and Ovarian Cancer; OVARIAN CANCER, SUSCEPTIBILITY TO. Identifiers: Orphanet 145, MedGen C2676676, MONDO:0011450, OMIM 604370. Disease mechanism: loss of function.

Submission:

Myriad Genetics, Inc.
Classification: Pathogenic for Breast-ovarian cancer, familial, susceptibility to, 1. Last evaluated: 2023-12-13. Review status: criteria provided, single submitter. Criteria: Myriad Autosomal Dominant, Autosomal Recessive and X-Linked Classification Criteria (2023). Collection method: clinical testing. Allele origin: unknown.
Comment: This variant is considered pathogenic. This variant creates a termination codon and is predicted to result in premature protein truncation.

NM_007294.4(BRCA1):c.4086_4088delinsATA (p.Asp1362_Ser1363delinsGluTer)

Genes: BRCA1 (BRCA1 DNA repair associated; minus strand), LOC126862571 (BRD4-independent group 4 enhancer GRCh37_chr17:41243136-41244335; plus strand). Cytogenetic location: 17q21.31.
Variant type: Indel.
Coding change: c.4086_4088delinsATA on transcript NM_007294.4 (MANE Select); coding-DNA positions 4086 to 4088, TTC replaced by ATA.
Protein change: p.Asp1362_Ser1363delinsGluTer.
Molecular consequence: nonsense. On other transcripts: intron variant (135).
Genome position (GRCh38, 1-based): chr17:43,091,443-43,091,445, GAA replaced by TAT on the plus strand (TTC replaced by ATA on the coding strand, the reverse complement: BRCA1 is on the minus strand). VCF-style: chr17-43091443-GAA-TAT. GRCh37 (hg19) VCF-style: chr17-41243460-GAA-TAT.
Other names: c.4083_4085delinsATA, p.Asp1361_Ser1362delinsGluTer (NM_001407645.1, NM_001407860.1, NM_001407861.1 and 22 more transcripts); c.4077_4079delinsATA, p.Asp1359_Ser1360delinsGluTer (NM_001407646.1, NM_001407647.1); c.3963_3965delinsATA, p.Asp1321_Ser1322delinsGluTer (NM_001407648.1, NM_001407664.1, NM_001407665.1 and 19 more transcripts); c.3960_3962delinsATA, p.Asp1320_Ser1321delinsGluTer (NM_001407649.1, NM_001407670.1, NM_001407671.1 and 11 more transcripts); c.4086_4088delinsATA, p.Asp1362_Ser1363delinsGluTer (NM_001407652.1, NM_001407684.1, NM_001407854.1 and 30 more transcripts); c.4008_4010delinsATA, p.Asp1336_Ser1337delinsGluTer (NM_001407653.1, NM_001407654.1, NM_001407655.1 and 4 more transcripts); c.4005_4007delinsATA, p.Asp1335_Ser1336delinsGluTer (NM_001407659.1, NM_001407660.1, NM_001407661.1 and 1 more transcripts); c.3945_3947delinsATA, p.Asp1315_Ser1316delinsGluTer (NM_001407692.1, NM_001407694.1, NM_001407695.1 and 29 more transcripts); and 41 more.
Identifiers: ClinVar variation 3148649 (VCV003148649.1), dbSNP rs2552106549, ClinGen allele CA2825002477.